The following is an entry in ClinVar:

ClinVar aggregate classification (germline): Uncertain significance (1 of 4 stars; one submission).

gnomAD v4.1: 1 of 1,614,184 alleles (0.000062%); highest among the groups gnomAD compares: African/African-American, 0.0013%; no homozygotes.

Submission:

Women's Health and Genetics/Laboratory Corporation of America, LabCorp
Classification: Uncertain significance. Last evaluated: 2024-10-14. Review status: criteria provided, single submitter. Criteria: LabCorp Variant Classification Summary - May 2015. Collection method: clinical testing. Allele origin: germline.
Comment: Variant summary: COL4A3 c.4307G>T (p.Gly1436Val) results in a non-conservative amino acid change in the encoded protein sequence. Five of five in-silico tools predict a damaging effect of the variant on protein function. The variant allele was found at a frequency of 4e-06 in 249538 control chromosomes. The available data on variant occurrences in the general population are insufficient to allow any conclusion about variant significance. To our knowledge, no occurrence of c.4307G>T in individuals affected with Alport Syndrome, Autosomal Recessive and no experimental evidence demonstrating its impact on protein function have been reported. No submitters have cited clinical-significance assessments for this variant to ClinVar. Based on the evidence outlined above, the variant was classified as uncertain significance.

NM_000091.5(COL4A3):c.4307G>T (p.Gly1436Val)

Genes: COL4A3 (collagen type IV alpha 3 chain; plus strand), MFF-DT (MFF divergent transcript; minus strand). Cytogenetic location: 2q36.3.
Variant type: single nucleotide variant.
Coding change: c.4307G>T on transcript NM_000091.5 (MANE Select); coding-DNA position 4307, G replaced by T.
Protein change: p.Gly1436Val; replaces glycine 1436 with valine.
Molecular consequence: missense variant.
Genome position (GRCh38, 1-based): chr2:227,307,764, G>T. VCF-style: chr2-227307764-G-T. GRCh37 (hg19) VCF-style: chr2-228172480-G-T.
Other names: short protein forms G1436V.
Identifiers: ClinVar variation 3385316 (VCV003385316.1).